The following is an entry in ClinVar:

ClinVar aggregate classification (germline): Uncertain significance (1 of 4 stars; one submission).

gnomAD v4.1: 46 of 1,613,806 alleles (0.0029%); highest among the groups gnomAD compares: South Asian, 0.045%; 1 homozygote.

Submission:

Labcorp Genetics (formerly Invitae), Labcorp
Classification: Uncertain significance. Last evaluated: 2026-01-29. Review status: criteria provided, single submitter. Criteria: Invitae Variant Classification Sherloc (09022015). Collection method: clinical testing. Allele origin: germline.
Comment: This sequence change replaces alanine, which is neutral and non-polar, with threonine, which is neutral and polar, at codon 2382 of the ANK3 protein (p.Ala2382Thr). This variant is present in population databases (rs748581447, gnomAD 0.04%). This missense change has been observed in individual(s) with clinical features of ANK3-related conditions (PMID: 34374989). Invitae Evidence Modeling of protein sequence and biophysical properties (such as structural, functional, and spatial information, amino acid conservation, physicochemical variation, residue mobility, and thermodynamic stability) indicates that this missense variant is not expected to disrupt ANK3 protein function with a negative predictive value of 80%. In summary, the available evidence is currently insufficient to determine the role of this variant in disease. Therefore, it has been classified as a Variant of Uncertain Significance.

Literature cited by the submitters: PubMed 34374989.

NM_020987.5(ANK3):c.7144G>A (p.Ala2382Thr)

Gene: ANK3 (ankyrin 3; minus strand). Cytogenetic location: 10q21.2.
Variant type: single nucleotide variant.
Coding change: c.7144G>A on transcript NM_020987.5 (MANE Select); coding-DNA position 7144, G replaced by A.
Protein change: p.Ala2382Thr; replaces alanine 2382 with threonine.
Molecular consequence: missense variant. On other transcripts: intron variant (4).
Genome position (GRCh38, 1-based): chr10:60,073,737, C>T on the plus strand (G>A on the coding strand, the complement: ANK3 is on the minus strand). VCF-style: chr10-60073737-C-T. GRCh37 (hg19) VCF-style: chr10-61833495-C-T.
Other names: c.4388-5728G>A (NM_001204403.2); c.4409-5728G>A (NM_001204404.2); c.4406-5728G>A (NM_001320874.2); c.1808-5728G>A (NM_001149.4); short protein forms A2382T.
Identifiers: ClinVar variation 4748798 (VCV004748798.1).